The following is an entry in ClinVar:

NM_001111125.3(IQSEC2):c.4384C>T (p.His1462Tyr)

Gene: IQSEC2 (IQ motif and Sec7 domain ArfGEF 2; minus strand). Cytogenetic location: Xp11.22.
Variant type: single nucleotide variant.
Coding change: c.4384C>T on transcript NM_001111125.3 (MANE Select); coding-DNA position 4384, C replaced by T.
Protein change: p.His1462Tyr; replaces histidine 1462 with tyrosine.
Molecular consequence: missense variant. On other transcripts: 3 prime UTR variant (1).
Genome position (GRCh38, 1-based): chrX:53,234,302, G>A on the plus strand (C>T on the coding strand, the complement: IQSEC2 is on the minus strand). VCF-style: chrX-53234302-G-A. GRCh37 (hg19) VCF-style: chrX-53263484-G-A.
Other names: c.*869C>T (NM_001410736.1, NM_015075.2); short protein forms H1462Y.
Identifiers: ClinVar variation 2128239 (VCV002128239.4), dbSNP rs2519665503, ClinGen allele CA413138477.

ClinVar aggregate classification (germline): Uncertain significance (1 of 4 stars; one submission).

Conditions:
Intellectual developmental disorder, X-linked 1. Also called: Atkin Flaitz Patil Smith syndrome; Intellectual disability, X-linked 1; MENTAL RETARDATION, X-LINKED 18; MENTAL RETARDATION, X-LINKED 78. Identifiers: Orphanet 777, MedGen C2931498, MONDO:0010656, OMIM 309530.

gnomAD v4.1: 1 of 780,152 alleles (0.00013%); highest among the groups gnomAD compares: Admixed American, 0.005%; no homozygotes.

Submission:

Labcorp Genetics (formerly Invitae), Labcorp
Classification: Uncertain significance for Intellectual developmental disorder, X-linked 1. Last evaluated: 2022-04-20. Review status: criteria provided, single submitter. Criteria: Invitae Variant Classification Sherloc (09022015). Collection method: clinical testing. Allele origin: germline.
Comment: This variant has not been reported in the literature in individuals affected with IQSEC2-related conditions. The frequency data for this variant in the population databases is considered unreliable, as metrics indicate insufficient coverage at this position in the gnomAD database. This sequence change replaces histidine, which is basic and polar, with tyrosine, which is neutral and polar, at codon 1462 of the IQSEC2 protein (p.His1462Tyr). Advanced modeling of protein sequence and biophysical properties (such as structural, functional, and spatial information, amino acid conservation, physicochemical variation, residue mobility, and thermodynamic stability) performed at Invitae indicates that this missense variant is not expected to disrupt IQSEC2 protein function. In summary, the available evidence is currently insufficient to determine the role of this variant in disease. Therefore, it has been classified as a Variant of Uncertain Significance.